The following is an entry in ClinVar:

NM_001177316.2(SLC34A3):c.652A>T (p.Arg218Trp)

Gene: SLC34A3 (solute carrier family 34 member 3; plus strand). Cytogenetic location: 9q34.3.
Variant type: single nucleotide variant.
Coding change: c.652A>T on transcript NM_001177316.2 (MANE Select); coding-DNA position 652, A replaced by T.
Protein change: p.Arg218Trp; replaces arginine 218 with tryptophan.
Molecular consequence: missense variant.
Genome position (GRCh38, 1-based): chr9:137,233,300, A>T. VCF-style: chr9-137233300-A-T. GRCh37 (hg19) VCF-style: chr9-140127752-A-T.
Other names: c.652A>T, p.Arg218Trp (NM_001177317.2, NM_080877.3); short protein forms R218W.
Identifiers: ClinVar variation 1005779 (VCV001005779.6), dbSNP rs371871525, ClinGen allele CA5364514.

ClinVar aggregate classification (germline): Uncertain significance (1 of 4 stars; one submission).

Allele frequency attached by ClinVar (database versions not stated): gnomAD 0.00002 and 0.00004; gnomAD exomes 0.00002 and 0.00003; TOPMed 0.00005; ESP Exome Variant Server 0.00016.

Submission:

Labcorp Genetics (formerly Invitae), Labcorp
Classification: Uncertain significance. Last evaluated: 2021-09-01. Review status: criteria provided, single submitter. Criteria: Invitae Variant Classification Sherloc (09022015). Collection method: clinical testing. Allele origin: germline.
Comment: This sequence change replaces arginine with tryptophan at codon 218 of the SLC34A3 protein (p.Arg218Trp). The arginine residue is weakly conserved and there is a moderate physicochemical difference between arginine and tryptophan. This variant is present in population databases (rs371871525, ExAC 0.02%). This missense change has been observed in individual(s) with clinical features of renal hypophosphatemia (PMID: 31672324). Algorithms developed to predict the effect of missense changes on protein structure and function output the following: SIFT: "Deleterious"; PolyPhen-2: "Possibly Damaging"; Align-GVGD: "Class C0". The tryptophan amino acid residue is found in multiple mammalian species, which suggests that this missense change does not adversely affect protein function. In summary, the available evidence is currently insufficient to determine the role of this variant in disease. Therefore, it has been classified as a Variant of Uncertain Significance.

Literature cited by the submitters: PubMed 31672324.